The following is an entry in ClinVar:

NM_002474.3(MYH11):c.3932C>T (p.Ala1311Val)

Genes: MYH11 (myosin heavy chain 11; minus strand), NDE1 (nudE neurodevelopment protein 1; plus strand). Cytogenetic location: 16p13.11.
Variant type: single nucleotide variant.
Coding change: c.3932C>T on transcript NM_002474.3 (MANE Select); coding-DNA position 3932, C replaced by T.
Protein change: p.Ala1311Val; replaces alanine 1311 with valine.
Molecular consequence: missense variant. On other transcripts: 3 prime UTR variant (2).
Genome position (GRCh38, 1-based): chr16:15,724,919, G>A on the plus strand (C>T on the coding strand, the complement: MYH11 is on the minus strand). VCF-style: chr16-15724919-G-A. GRCh37 (hg19) VCF-style: chr16-15818776-G-A.
Other names: p.A1311V:GCG>GTG; c.3953C>T, p.Ala1318Val (NM_001040113.2, NM_001040114.2); c.3932C>T, p.Ala1311Val (NM_022844.3); c.*668G>A (NM_001143979.2, NM_017668.3); short protein forms A1311V, A1318V.
Identifiers: ClinVar variation 201069 (VCV000201069.25), dbSNP rs185720909, ClinGen allele CA306549.

ClinVar aggregate classification (germline): Conflicting classifications of pathogenicity. Review status: criteria provided, conflicting classifications (1 of 4 stars). 7 submissions from 7 submitters: Uncertain significance (4); Likely benign (3). Last evaluated 2026-08-20.

Conditions:
Familial thoracic aortic aneurysm and aortic dissection (TAAD). Also called: Thoracic aortic aneurysms and dissections. Identifiers: Orphanet 91387, MedGen C4707243, MONDO:0019625.
Aortic aneurysm, familial thoracic 4 (AAT4). Also called: AORTIC ANEURYSM/AORTIC DISSECTION AND PATENT DUCTUS ARTERIOSUS. Identifiers: MedGen C1851504, MONDO:0007568, OMIM 132900.

Allele frequency attached by ClinVar (database versions not stated): gnomAD exomes 0.00012; 1000 Genomes Project 0.00060; gnomAD 0.00016 and 0.00017; ExAC 0.00005; TOPMed 0.00016; 1000 Genomes Project 30x 0.00078.
gnomAD v4.1: 161 of 1,614,112 alleles (0.01%); highest among the groups gnomAD compares: Admixed American, 0.082%; 1 homozygote.

Submissions (7):

GeneDx
Classification: Uncertain significance. Last evaluated: 2026-08-20. Review status: criteria provided, single submitter. Criteria: GeneDx Variant Classification Process June 2021. Collection method: clinical testing. Allele origin: germline.
Comment: Has not been previously published as pathogenic or benign to our knowledge; In silico analysis suggests that this missense variant does not alter protein structure/function

Labcorp Genetics (formerly Invitae), Labcorp
Classification: Likely benign for Aortic aneurysm, familial thoracic 4. Last evaluated: 2026-01-22. Review status: criteria provided, single submitter. Criteria: Invitae Variant Classification Sherloc (09022015). Collection method: clinical testing. Allele origin: germline.

Ambry Genetics
Classification: Uncertain significance for Familial thoracic aortic aneurysm and aortic dissection. Last evaluated: 2025-08-22. Review status: criteria provided, single submitter. Criteria: Ambry Variant Classification Scheme 2023. Collection method: clinical testing. Allele origin: germline.

Dasa
Classification: Uncertain significance. Last evaluated: 2025-08-22. Review status: criteria provided, single submitter. Criteria: DASA Assertion Criteria. Collection method: clinical testing. Allele origin: germline.
Comment: NM_002474.3(MYH11):c.3932C>T (p.Ala1311Val) is a missense variant that results in the substitution of alanine with valine. This variant is rare in population databases. Computational prediction algorithms are consistent with a benign effect. The currently available literature and clinical evidence are not sufficient to establish a definitive association between this variant and the reported condition. Therefore, this variant is classified as a variant of uncertain significance.

Women's Health and Genetics/Laboratory Corporation of America, LabCorp
Classification: Likely benign. Last evaluated: 2023-08-30. Review status: criteria provided, single submitter. Criteria: LabCorp Variant Classification Summary - May 2015. Collection method: clinical testing. Allele origin: germline.
Comment: Variant summary: MYH11 c.3953C>T (p.Ala1318Val) results in a non-conservative amino acid change located in the Myosin tail domain (IPR002928) of the encoded protein sequence. Three of five in-silico tools predict a benign effect of the variant on protein function. The variant allele was found at a frequency of 0.00012 in 251258 control chromosomes (gnomAD). The observed variant frequency is approximately 99 fold of the estimated maximal expected allele frequency for a pathogenic variant in MYH11 causing Aortopathy phenotype (1.3e-06), strongly suggesting that the variant is benign. To our knowledge, no occurrence of c.3953C>T in individuals affected with Aortopathy and no experimental evidence demonstrating its impact on protein function have been reported. Five submitters have cited clinical-significance assessments for this variant to ClinVar after 2014 and classified the variant as likely benign (n=2) and VUS (n=3). Based on the evidence outlined above, the variant was classified as likely benign.

ARUP Laboratories, Molecular Genetics and Genomics, ARUP Laboratories
Classification: Uncertain significance. Last evaluated: 2021-02-14. Review status: criteria provided, single submitter. Criteria: ARUP Molecular Germline Variant Investigation Process 2021. Collection method: clinical testing. Allele origin: germline.
Comment: The MYH11 c.3932C>T; p.Ala1311Val variant (rs185720909), to our knowledge, is not reported in the medical literature but is reported in ClinVar (Variation ID: 201069). This variant is found in the general population with an allele frequency of 0.012% (31/251,258 alleles) in the Genome Aggregation Database. The alanine at codon 1311 is moderately conserved, and computational analyses are uncertain whether this variant is neutral or deleterious (REVEL: 0.265). Due to limited information, the clinical significance of the p.Ala1311Val variant is uncertain at this time.

Color Diagnostics, LLC DBA Color Health
Classification: Likely benign for Familial thoracic aortic aneurysm and aortic dissection. Last evaluated: 2019-09-24. Review status: criteria provided, single submitter. Criteria: ACMG Guidelines, 2015. Collection method: clinical testing. Allele origin: germline.